The following is an entry in ClinVar:

NM_001009944.3(PKD1):c.7341G>T (p.Thr2447=)

Gene: PKD1 (polycystin 1, transient receptor potential channel interacting; minus strand). Cytogenetic location: 16p13.3.
Variant type: single nucleotide variant.
Coding change: c.7341G>T on transcript NM_001009944.3 (MANE Select); coding-DNA position 7341, G replaced by T.
Protein change: p.Thr2447=; no amino-acid change (threonine 2447 retained).
Molecular consequence: synonymous variant.
Genome position (GRCh38, 1-based): chr16:2,106,546, C>A on the plus strand (G>T on the coding strand, the complement: PKD1 is on the minus strand). VCF-style: chr16-2106546-C-A. GRCh37 (hg19) VCF-style: chr16-2156547-C-A.
Other names: c.7341G>T (NM_001009944.2); c.7341G>T, p.Thr2447= (NM_000296.4).
Identifiers: ClinVar variation 997187 (VCV000997187.5), dbSNP rs573611925, ClinGen allele CA7831172.

ClinVar aggregate classification (germline): Benign/Likely benign. Review status: criteria provided, multiple submitters, no conflicts (2 of 4 stars). 4 submissions from 4 submitters: Benign (1); Likely benign (1). 2 of the submissions do not count toward it. Last evaluated 2024-10-30.

Conditions:
Polycystic kidney disease, adult type (PKD1). Also called: Polycystic Kidney Disease 1, Autosomal Dominant; Polycystic kidney disease 1; Polycystic kidney disease 1, severe; POLYCYSTIC KIDNEY DISEASE 1 WITH OR WITHOUT POLYCYSTIC LIVER DISEASE; POLYCYSTIC KIDNEY DISEASE, ADULT, TYPE I; Polycystic Kidney, Autosomal Dominant. Identifiers: MedGen C3149841, MONDO:0008263, OMIM 173900.
Polycystic kidney disease. Also called: Kidney, Polycystic; Polycystic kidney dysplasia. Identifiers: MedGen C0022680, MeSH D007690, MONDO:0020642, HP:0000113.
PKD1-related disorder. Also called: PKD1-related condition.

Allele frequency attached by ClinVar (database versions not stated): TOPMed 0.00033; 1000 Genomes Project 0.00040; 1000 Genomes Project 30x 0.00047.
gnomAD v4.1: 152 of 1,596,688 alleles (0.0095%); highest among the groups gnomAD compares: East Asian, 0.33%; 2 homozygotes.

Submissions (4):

Blueprint Genetics
Classification: Likely benign. Last evaluated: 2024-10-30. Review status: criteria provided, single submitter. Criteria: ACMG Guidelines, 2015. Collection method: clinical testing. Allele origin: germline.

Fulgent Genetics
Classification: Benign for Polycystic kidney disease, adult type. Last evaluated: 2021-08-19. Review status: criteria provided, single submitter. Criteria: ACMG Guidelines, 2015. Collection method: clinical testing. Allele origin: unknown.

PreventionGenetics, part of Exact Sciences
Classification: Likely benign for PKD1-related condition. Last evaluated: 2019-02-22. Review status: no assertion criteria provided. Collection method: clinical testing. Allele origin: germline. Not counted in ClinVar's aggregate classification.
Comment: This variant is classified as likely benign based on ACMG/AMP sequence variant interpretation guidelines (Richards et al. 2015 PMID: 25741868, with internal and published modifications).

Department of Pathology and Laboratory Medicine, Sinai Health System
Classification: Likely benign for Polycystic Kidney disease. Review status: no assertion criteria provided. Collection method: clinical testing. Allele origin: unknown. Affected: yes. Study: The Canadian Open Genetics Repository (COGR). Not counted in ClinVar's aggregate classification.
Comment: The PKD1 p.Thr2447= variant was not identified in the literature nor was it identified in the following databases: ClinVar, COGR, LOVD 3.0, ADPKD Mutation Database and PKD1-LOVD. The variant was identified in dbSNP (ID: rs573611925) as â€šÃ„ÃºNAâ€šÃ„Ã¹ and in control databases in 91 (1 homozygous) of 256082 chromosomes at a frequency of 0.0004 increasing the likelihood this could be a low frequency variant (Genome Aggregation Database Feb 27, 2017). Observations by population include: â€šÃ„ÃºOtherâ€šÃ„Ã¹ in 1 of 6152 chromosomes (freq: 0.0002) and East Asian in 90 of 18470 chromosomes (freq: 0.005); it was not observed in the African, Latino, European Non-Finnish, Ashkenazi Jewish, European Finnish and South Asian populations. The p.Thr2447= variant is not expected to have clinical significance because it does not result in a change of amino acid and is not located in a known consensus splice site. In addition, in silico or computational prediction software programs (SpliceSiteFinder, MaxEntScan, NNSPLICE, GeneSplicer, HumanSpliceFinder) do not predict a difference in splicing. In summary, based on the above information the clinical significance of this variant cannot be determined with certainty at this time although we would lean towards a more benign role for this variant. This variant is classified as likely benign.